The following is an entry in ClinVar:

NM_000329.3(RPE65):c.1189A>G (p.Ser397Gly)

Gene: RPE65 (retinoid isomerohydrolase RPE65; minus strand). Cytogenetic location: 1p31.3.
Variant type: single nucleotide variant.
Coding change: c.1189A>G on transcript NM_000329.3 (MANE Select); coding-DNA position 1189, A replaced by G.
Protein change: p.Ser397Gly; replaces serine 397 with glycine.
Molecular consequence: missense variant.
Genome position (GRCh38, 1-based): chr1:68,431,525, T>C on the plus strand (A>G on the coding strand, the complement: RPE65 is on the minus strand). VCF-style: chr1-68431525-T-C. GRCh37 (hg19) VCF-style: chr1-68897208-T-C.
Other names: short protein forms S397G.
Identifiers: ClinVar variation 1696122 (VCV001696122.7), dbSNP rs749942889, ClinGen allele CA902257.

ClinVar aggregate classification (germline): Uncertain significance. Review status: criteria provided, multiple submitters, no conflicts (2 of 4 stars). 5 submissions from 5 submitters: Uncertain significance (5). Last evaluated 2026-06-17.

Conditions:
Retinitis pigmentosa 20 (RP20). Identifiers: Orphanet 791, MedGen C3151086, MONDO:0013425, OMIM 613794.
Leber congenital amaurosis 2 (LCA2). Also called: Autosomal Recessive RPE65-Related Retinal Degeneration; AMAUROSIS CONGENITA OF LEBER II. Identifiers: Orphanet 65, MedGen C1859844, MONDO:0008765, OMIM 204100. Disease mechanism: loss of function.
RPE65-related disorder. Also called: RPE65-related condition; RPE65-related disorders. Identifiers: MedGen CN239301.

Allele frequency attached by ClinVar (database versions not stated): ExAC 0.00001; gnomAD 0.00001; gnomAD exomes 0.00002 and 0.00007; TOPMed 0.00003.
gnomAD v4.1: 35 of 1,613,870 alleles (0.0022%); highest among the groups gnomAD compares: Admixed American, 0.042%; no homozygotes.

Submissions (5):

PreventionGenetics, part of Exact Sciences
Classification: Uncertain significance for RPE65-related condition. Last evaluated: 2026-06-17. Review status: criteria provided, single submitter. Criteria: ACMG Guidelines, 2015. Collection method: clinical testing. Allele origin: germline.
Comment: The RPE65 c.1189A>G variant is predicted to result in the amino acid substitution p.Ser397Gly. To our knowledge, this variant has not been reported in the literature. This variant is present in 0.048% of alleles in individuals of Latino descent in gnomAD. At this time, the clinical significance of this variant is uncertain due to the absence of conclusive functional and genetic evidence.

Labcorp Genetics (formerly Invitae), Labcorp
Classification: Uncertain significance for Leber congenital amaurosis 2; Retinitis pigmentosa 20. Last evaluated: 2024-12-31. Review status: criteria provided, single submitter. Criteria: Invitae Variant Classification Sherloc (09022015). Collection method: clinical testing. Allele origin: germline.
Comment: This sequence change replaces serine, which is neutral and polar, with glycine, which is neutral and non-polar, at codon 397 of the RPE65 protein (p.Ser397Gly). This variant is present in population databases (rs749942889, gnomAD 0.05%). This variant has not been reported in the literature in individuals affected with RPE65-related conditions. ClinVar contains an entry for this variant (Variation ID: 1696122). Invitae Evidence Modeling of protein sequence and biophysical properties (such as structural, functional, and spatial information, amino acid conservation, physicochemical variation, residue mobility, and thermodynamic stability) has been performed for this missense variant. However, the output from this modeling did not meet the statistical confidence thresholds required to predict the impact of this variant on RPE65 protein function. In summary, the available evidence is currently insufficient to determine the role of this variant in disease. Therefore, it has been classified as a Variant of Uncertain Significance.

Blueprint Genetics
Classification: Uncertain significance. Last evaluated: 2024-11-18. Review status: criteria provided, single submitter. Criteria: ACMG Guidelines, 2015. Collection method: clinical testing. Allele origin: germline.

GeneDx
Classification: Uncertain significance. Last evaluated: 2023-06-28. Review status: criteria provided, single submitter. Criteria: GeneDx Variant Classification Process June 2021. Collection method: clinical testing. Allele origin: germline. Affected: yes.
Comment: In silico analysis supports that this missense variant does not alter protein structure/function; Has not been previously published as pathogenic or benign to our knowledge

Women's Health and Genetics/Laboratory Corporation of America, LabCorp
Classification: Uncertain significance. Last evaluated: 2022-05-03. Review status: criteria provided, single submitter. Criteria: LabCorp Variant Classification Summary - May 2015. Collection method: clinical testing. Allele origin: germline.